The following is an entry in ClinVar:

ClinVar aggregate classification (germline): Uncertain significance (1 of 4 stars; one submission).

gnomAD v4.1: 10 of 1,613,050 alleles (0.00062%); highest among the groups gnomAD compares: Non-Finnish European, 0.00076%; no homozygotes.

Submission:

Labcorp Genetics (formerly Invitae), Labcorp
Classification: Uncertain significance. Last evaluated: 2025-03-07. Review status: criteria provided, single submitter. Criteria: Invitae Variant Classification Sherloc (09022015). Collection method: clinical testing. Allele origin: germline.
Comment: This sequence change replaces alanine, which is neutral and non-polar, with valine, which is neutral and non-polar, at codon 1024 of the GUCY2C protein (p.Ala1024Val). This variant is not present in population databases (gnomAD no frequency). This variant has not been reported in the literature in individuals affected with GUCY2C-related conditions. An algorithm developed to predict the effect of missense changes on protein structure and function (PolyPhen-2) suggests that this variant is likely to be tolerated. In summary, the available evidence is currently insufficient to determine the role of this variant in disease. Therefore, it has been classified as a Variant of Uncertain Significance.

NM_004963.4(GUCY2C):c.3071C>T (p.Ala1024Val)

Genes: GUCY2C (guanylate cyclase 2C; minus strand), PLBD1-AS1 (PLBD1 antisense RNA 1; plus strand). Cytogenetic location: 12p12.3.
Variant type: single nucleotide variant.
Coding change: c.3071C>T on transcript NM_004963.4 (MANE Select); coding-DNA position 3071, C replaced by T.
Protein change: p.Ala1024Val; replaces alanine 1024 with valine.
Molecular consequence: missense variant.
Genome position (GRCh38, 1-based): chr12:14,613,268, G>A on the plus strand (C>T on the coding strand, the complement: GUCY2C is on the minus strand). VCF-style: chr12-14613268-G-A. GRCh37 (hg19) VCF-style: chr12-14766202-G-A.
Other names: short protein forms A1024V.
Identifiers: ClinVar variation 4695990 (VCV004695990.1).